The following is an entry in ClinVar:

NM_000478.6(ALPL):c.677T>C (p.Met226Thr)

Gene: ALPL (alkaline phosphatase, biomineralization associated; plus strand). Cytogenetic location: 1p36.12.
Variant type: single nucleotide variant.
Coding change: c.677T>C on transcript NM_000478.6 (MANE Select); coding-DNA position 677, T replaced by C.
Protein change: p.Met226Thr; replaces methionine 226 with threonine.
Molecular consequence: missense variant.
Genome position (GRCh38, 1-based): chr1:21,568,132, T>C. VCF-style: chr1-21568132-T-C. GRCh37 (hg19) VCF-style: chr1-21894625-T-C.
Other names: c.512T>C, p.Met171Thr (NM_001127501.4); c.446T>C, p.Met149Thr (NM_001177520.3); c.677T>C, p.Met226Thr (NM_001369803.2, NM_001369804.2, NM_001369805.2); c.677T>C (NM_000478.4); short protein forms M149T, M171T, M226T.
Identifiers: ClinVar variation 1702003 (VCV001702003.9), dbSNP rs752641050, ClinGen allele CA666580.
Genomic context (GRCh38, chr1:21,568,132, plus strand): 5'-CCTGCAGAAGTGATGGCTCCTGTCTCTTTTAGGTGATCATGGGGGGTGGCCGGAAATACA[T>C]GTACCCCAAGAATAAAACTGATGTGGAGTATGAGAGTGACGAGAAAGCCAGGGGCACGAG-3'
Protein context (NP_000469.3, residues 216-236): DVIMGGGRKY[Met226Thr]YPKNKTDVEY

ClinVar aggregate classification (germline): Conflicting classifications of pathogenicity. Review status: criteria provided, conflicting classifications (1 of 4 stars). 4 submissions from 4 submitters: Pathogenic (1); Likely pathogenic (2); Uncertain significance (1). Last evaluated 2025-08-29.

Conditions:
Osteogenesis imperfecta (OI). Identifiers: Orphanet 666, MedGen C0029434, MeSH D010013, MONDO:0019019.
Hypophosphatasia. Also called: Phosphoethanol-aminuria. Identifiers: Orphanet 436, MedGen C0020630, MeSH D007014, MONDO:0018570.

Allele frequency attached by ClinVar (database versions not stated): gnomAD exomes 0.00001 and 0.00002; ExAC 0.00002.
gnomAD v4.1: 15 of 1,614,054 alleles (0.00093%); highest among the groups gnomAD compares: South Asian, 0.0011%; no homozygotes.

Submissions (4):

Genomenon, Inc
Classification: Likely pathogenic for Hypophosphatasia. Last evaluated: 2025-08-29. Review status: criteria provided, single submitter. Criteria: Genomenon Sequence Variant Interpretation Standards. Collection method: curation. Allele origin: germline. Affected: yes.
Comment: ALPL c.677T>C is a missense variant that changes the amino acid at residue 226 from Methionine to Threonine. This variant has been observed in at least one proband affected with hypophosphatasia (PMID:17395561;32973344). It is absent or not present at a significant frequency in gnomAD. In silico models agree that this variant is possibly or probably damaging. In conclusion, we classify ALPL p.Met226Thr (c.677T>C) as a likely pathogenic variant.

Genome Diagnostics Laboratory, The Hospital for Sick Children
Classification: Uncertain significance for Osteogenesis imperfecta. Last evaluated: 2025-05-08. Review status: criteria provided, single submitter. Criteria: ACMG Guidelines, 2015. Collection method: clinical testing. Allele origin: germline. Affected: yes.
Comment: This missense variant results in a change of methionine to threonine at position 226, and in silico programs predict this variant to be damaging. This variant was observed in individuals with infantile hypophosphatasia (PMID: 17395561). This variant is observed at an allele frequency of 0.00093% in populations of the Genome Aggregation Database (gnomAD). Based on the evidence above, this variant is classified as a variant of uncertain significance (ACMG criteria - PM2, PP3, PP5)

GeneDx
Classification: Likely pathogenic. Last evaluated: 2024-07-11. Review status: criteria provided, single submitter. Criteria: GeneDx Variant Classification Process June 2021. Collection method: clinical testing. Allele origin: germline. Affected: yes.
Comment: In silico analysis supports that this missense variant has a deleterious effect on protein structure/function; This variant is associated with the following publications: (PMID: 17395561)

Labcorp Genetics (formerly Invitae), Labcorp
Classification: Pathogenic. Last evaluated: 2023-08-01. Review status: criteria provided, single submitter. Criteria: Invitae Variant Classification Sherloc (09022015). Collection method: clinical testing. Allele origin: germline.
Comment: Advanced modeling of protein sequence and biophysical properties (such as structural, functional, and spatial information, amino acid conservation, physicochemical variation, residue mobility, and thermodynamic stability) performed at Invitae indicates that this missense variant is expected to disrupt ALPL protein function. ClinVar contains an entry for this variant (Variation ID: 1702003). This missense change has been observed in individual(s) with hypophosphatasia (PMID: 17395561; Invitae). This variant is present in population databases (rs752641050, gnomAD 0.004%). This sequence change replaces methionine, which is neutral and non-polar, with threonine, which is neutral and polar, at codon 226 of the ALPL protein (p.Met226Thr). For these reasons, this variant has been classified as Pathogenic.

Literature cited by the submitters: PubMed 17395561 (cited by 3 submitters); PubMed 32973344 (cited by Genomenon, Inc).